The following is an entry in ClinVar:

ClinVar aggregate classification (germline): Uncertain significance (1 of 4 stars; one submission).

Submission:

GeneDx
Classification: Uncertain significance. Last evaluated: 2025-04-22. Review status: criteria provided, single submitter. Criteria: GeneDx Variant Classification Process June 2021. Collection method: clinical testing. Allele origin: germline. Affected: yes.
Comment: Not observed at significant frequency in large population cohorts (gnomAD); In silico analysis indicates that this missense variant does not alter protein structure/function; Has not been previously published as pathogenic or benign to our knowledge

NM_033517.1:c.4930T>C

Gene: SHANK3 (SH3 and multiple ankyrin repeat domains 3; plus strand).
Variant type: single nucleotide variant.
Other names: c.4930T>C (NM_033517.1).
Identifiers: ClinVar variation 4528322 (VCV004528322.1).